The following is an entry in ClinVar:

ClinVar aggregate classification (germline): Pathogenic (1 of 4 stars; one submission).

Conditions:
X-linked agammaglobulinemia with growth hormone deficiency (IGHD3). Also called: ISOLATED GROWTH HORMONE DEFICIENCY, TYPE III, WITH AGAMMAGLOBULINEMIA; AGAMMAGLOBULINEMIA AND ISOLATED GROWTH HORMONE DEFICIENCY, X-LINKED; FLEISHER SYNDROME; HYPOGAMMAGLOBULINEMIA AND ISOLATED GROWTH HORMONE DEFICIENCY, X-LINKED; IGHD III; Isolated growth hormone deficiency type 3. Identifiers: Orphanet 231692, Orphanet 631, MedGen C0472813, MONDO:0010615, OMIM 307200.

Submission:

Labcorp Genetics (formerly Invitae), Labcorp
Classification: Pathogenic for X-linked agammaglobulinemia with growth hormone deficiency. Last evaluated: 2024-06-13. Review status: criteria provided, single submitter. Criteria: Invitae Variant Classification Sherloc (09022015). Collection method: clinical testing. Allele origin: germline.
Comment: This sequence change affects an acceptor splice site in intron 11 of the BTK gene. It is expected to disrupt RNA splicing. Variants that disrupt the donor or acceptor splice site typically lead to a loss of protein function (PMID: 16199547), and loss-of-function variants in BTK are known to be pathogenic (PMID: 15661032, 16862044, 19419768). This variant is not present in population databases (gnomAD no frequency). Disruption of this splice site has been observed in individuals with BTK-related conditions (PMID: 27512878). This variant is also known as IVS11–1G>T. ClinVar contains an entry for this variant (Variation ID: 1412114). Algorithms developed to predict the effect of sequence changes on RNA splicing suggest that this variant may disrupt the consensus splice site. For these reasons, this variant has been classified as Pathogenic.

Literature cited by the submitters: PubMed 16199547; PubMed 15661032; PubMed 16862044; PubMed 19419768; PubMed 27512878.

NM_000061.3(BTK):c.975-1G>T

Gene: BTK (Bruton tyrosine kinase; minus strand). Cytogenetic location: Xq22.1.
Variant type: single nucleotide variant.
Coding change: c.975-1G>T on transcript NM_000061.3 (MANE Select); the canonical splice acceptor site of the intron before coding-DNA position 975, G replaced by T.
Molecular consequence: splice acceptor variant.
Genome position (GRCh38, 1-based): chrX:101,358,438, C>A on the plus strand (G>T on the coding strand, the complement: BTK is on the minus strand). VCF-style: chrX-101358438-C-A. GRCh37 (hg19) VCF-style: chrX-100613426-C-A.
Other names: c.1077-1G>T (NM_001287344.2); c.975-1G>T (NM_001287345.2).
Identifiers: ClinVar variation 1412114 (VCV001412114.8), dbSNP rs2147429973, ClinGen allele CA413928637.
Genomic context (GRCh38, chrX:101,358,438, plus strand): 5'-TAATACTGGCTCTGAGGTGTGGAACACACAACATAATGACGTATCACCCCTTGAGGGTCC[C>A]TGAAGAAGTGGATGCTTAGTCAGTAACTTGGGCACAAAGGTCAACAGAACCCAGGAAGTG-3'